The following is an entry in ClinVar:

NM_022436.3(ABCG5):c.1411G>A (p.Val471Ile)

Genes: DYNC2LI1 (dynein cytoplasmic 2 light intermediate chain 1; plus strand), ABCG5 (ATP binding cassette subfamily G member 5; minus strand). Cytogenetic location: 2p21.
Variant type: single nucleotide variant.
Coding change: c.1411G>A on transcript NM_022436.3 (MANE Select); coding-DNA position 1411, G replaced by A.
Protein change: p.Val471Ile; replaces valine 471 with isoleucine.
Molecular consequence: missense variant. On other transcripts: intron variant (2).
Genome position (GRCh38, 1-based): chr2:43,822,849, C>T on the plus strand (G>A on the coding strand, the complement: ABCG5 is on the minus strand). VCF-style: chr2-43822849-C-T. GRCh37 (hg19) VCF-style: chr2-44049988-C-T.
Other names: c.*16-4537C>T (NM_001348913.2, NM_001348912.2); short protein forms V471I.
Identifiers: ClinVar variation 336038 (VCV000336038.33), dbSNP rs143402711, ClinGen allele CA1636285.

ClinVar aggregate classification (germline): Conflicting classifications of pathogenicity. Review status: criteria provided, conflicting classifications (1 of 4 stars). 7 submissions from 7 submitters: Uncertain significance (3); Likely benign (3). 1 of the submissions does not count toward it. Last evaluated 2025-12-20.

Conditions:
Cardiovascular phenotype. Identifiers: MedGen CN230736.
Sitosterolemia (STSL). Also called: PHYTOSTEROLEMIA. Identifiers: Orphanet 2882, MedGen C0342907, MONDO:0008863.
ABCG5-related disorder. Also called: ABCG5-related condition.
Sitosterolemia 1. Identifiers: MedGen C2749759, MONDO:0020747, OMIM 210250.
Sitosterolemia 2. Identifiers: MedGen C5231453, MONDO:0020748, OMIM 618666.

Allele frequency attached by ClinVar (database versions not stated): gnomAD 0.00004 and 0.00012; 1000 Genomes Project 30x 0.00109; gnomAD exomes 0.00032 and 0.00056; 1000 Genomes Project 0.00140; ESP Exome Variant Server 0.00008; ExAC 0.00068; TOPMed 0.00007.
gnomAD v4.1: 481 of 1,614,122 alleles (0.03%); highest among the groups gnomAD compares: South Asian, 0.43%; 3 homozygotes.

Submissions (7):

Labcorp Genetics (formerly Invitae), Labcorp
Classification: Likely benign for Sitosterolemia. Last evaluated: 2025-12-20. Review status: criteria provided, single submitter. Criteria: Invitae Variant Classification Sherloc (09022015). Collection method: clinical testing. Allele origin: germline.

Ambry Genetics
Classification: Likely benign for Cardiovascular phenotype. Last evaluated: 2024-12-18. Review status: criteria provided, single submitter. Criteria: Ambry Variant Classification Scheme 2023. Collection method: clinical testing. Allele origin: germline.

Blueprint Genetics
Classification: Likely benign. Last evaluated: 2024-10-04. Review status: criteria provided, single submitter. Criteria: ACMG Guidelines, 2015. Collection method: clinical testing. Allele origin: germline.

CeGaT Center for Human Genetics Tuebingen
Classification: Uncertain significance. Last evaluated: 2024-08-01. Review status: criteria provided, single submitter. Criteria: CeGaT Center For Human Genetics Tuebingen Variant Classification Criteria Version 2. Collection method: clinical testing. Allele origin: germline. Affected: yes. Observed: 1 variant allele.
Comment: ABCG5: PM2, BP4

New York Genome Center
Classification: Uncertain significance for Sitosterolemia 2. Last evaluated: 2022-03-12. Review status: criteria provided, single submitter. Criteria: NYGC Assertion Criteria 2020. Collection method: clinical testing. Allele origin: germline. Observed: 1 heterozygote.

Illumina Laboratory Services, Illumina
Classification: Uncertain significance for Sitosterolemia 1. Last evaluated: 2018-01-13. Review status: criteria provided, single submitter. Criteria: ICSL Variant Classification Criteria 13 December 2019. Collection method: clinical testing. Allele origin: germline.

PreventionGenetics, part of Exact Sciences
Classification: Likely benign for ABCG5-related condition. Last evaluated: 2022-03-28. Review status: no assertion criteria provided. Collection method: clinical testing. Allele origin: germline. Not counted in ClinVar's aggregate classification.
Comment: This variant is classified as likely benign based on ACMG/AMP sequence variant interpretation guidelines (Richards et al. 2015 PMID: 25741868, with internal and published modifications).